The following is an entry in ClinVar:

ClinVar aggregate classification (germline): Conflicting classifications of pathogenicity. Review status: criteria provided, conflicting classifications (1 of 4 stars). 5 submissions from 5 submitters: Uncertain significance (2); Likely benign (3). Last evaluated 2025-12-31.

Conditions:
ATRX-related disorder. Also called: ATRX-related condition.
Inborn genetic diseases. Identifiers: MedGen C0950123, MeSH D030342.
Alpha thalassemia-X-linked intellectual disability syndrome (ATRX). Also called: ATR-X syndrome; Alpha thalassemia mental retardation syndrome, nondeletion type, X-linked; XLMR hypotonic face syndrome; ALPHA-THALASSEMIA/MENTAL RETARDATION SYNDROME, X-LINKED; ATR, NONDELETION TYPE; X-linked alpha-thalassemia-mental retardation syndrome. Identifiers: Orphanet 847, MedGen C1845055, MONDO:0010519, OMIM 301040.

Allele frequency attached by ClinVar (database versions not stated): ExAC 0.00002; gnomAD exomes 0.00004 and 0.00002; gnomAD 0.00009 and 0.00007; TOPMed 0.00010.
gnomAD v4.1: 48 of 1,209,697 alleles (0.004%); highest among the groups gnomAD compares: African/African-American, 0.019%; no homozygotes.

Submissions (5):

Labcorp Genetics (formerly Invitae), Labcorp
Classification: Likely benign for Alpha thalassemia-X-linked intellectual disability syndrome. Last evaluated: 2025-12-31. Review status: criteria provided, single submitter. Criteria: Invitae Variant Classification Sherloc (09022015). Collection method: clinical testing. Allele origin: germline.

PreventionGenetics, part of Exact Sciences
Classification: Likely benign for ATRX-related condition. Last evaluated: 2025-03-27. Review status: criteria provided, single submitter. Criteria: ACMG Guidelines, 2015. Collection method: clinical testing. Allele origin: germline.
Comment: This variant is classified as likely benign based on ACMG/AMP sequence variant interpretation guidelines (Richards et al. 2015 PMID: 25741868, with internal and published modifications).

Ambry Genetics
Classification: Uncertain significance for Inborn genetic diseases. Last evaluated: 2024-01-19. Review status: criteria provided, single submitter. Criteria: Ambry Variant Classification Scheme 2023. Collection method: clinical testing. Allele origin: germline.

GeneDx
Classification: Likely benign. Last evaluated: 2021-06-11. Review status: criteria provided, single submitter. Criteria: GeneDx Variant Classification Process June 2021. Collection method: clinical testing. Allele origin: germline. Affected: yes.

Genetic Services Laboratory, University of Chicago
Classification: Uncertain significance. Last evaluated: 2019-10-04. Review status: criteria provided, single submitter. Criteria: ACMG Guidelines, 2015. Collection method: clinical testing. Allele origin: germline. Affected: no.

NM_000489.6(ATRX):c.1606A>G (p.Met536Val)

Gene: ATRX (ATRX chromatin remodeler; minus strand). Cytogenetic location: Xq21.1.
Variant type: single nucleotide variant.
Coding change: c.1606A>G on transcript NM_000489.6 (MANE Select); coding-DNA position 1606, A replaced by G.
Protein change: p.Met536Val; replaces methionine 536 with valine.
Molecular consequence: missense variant.
Genome position (GRCh38, 1-based): chrX:77,683,650, T>C on the plus strand (A>G on the coding strand, the complement: ATRX is on the minus strand). VCF-style: chrX-77683650-T-C. GRCh37 (hg19) VCF-style: chrX-76939142-T-C.
Other names: c.1492A>G, p.Met498Val (NM_138270.5); short protein forms M536V, M498V.
Identifiers: ClinVar variation 700079 (VCV000700079.18), dbSNP rs781865069, ClinGen allele CA10458184.